The following is an entry in ClinVar:

NM_022168.4(IFIH1):c.1960T>G (p.Cys654Gly)

Gene: IFIH1 (interferon induced with helicase C domain 1; minus strand). Cytogenetic location: 2q24.2.
Variant type: single nucleotide variant.
Coding change: c.1960T>G on transcript NM_022168.4 (MANE Select); coding-DNA position 1960, T replaced by G.
Protein change: p.Cys654Gly; replaces cysteine 654 with glycine.
Molecular consequence: missense variant.
Genome position (GRCh38, 1-based): chr2:162,277,499, A>C on the plus strand (T>G on the coding strand, the complement: IFIH1 is on the minus strand). VCF-style: chr2-162277499-A-C. GRCh37 (hg19) VCF-style: chr2-163134009-A-C.
Other names: c.1960T>G (NM_022168.3); short protein forms C654G.
Identifiers: ClinVar variation 1472505 (VCV001472505.9), dbSNP rs987124852, ClinGen allele CA59661072.

ClinVar aggregate classification (germline): Conflicting classifications of pathogenicity. Review status: criteria provided, conflicting classifications (1 of 4 stars). 2 submissions from 2 submitters: Uncertain significance (1); Likely benign (1). Last evaluated 2023-03-24.

Conditions:
Singleton-Merten syndrome 1 (SGMRT1). Also called: Widened medullary cavities of bone, aortic calcification, abnormal dentition, and muscular weakness; Syndrome of widened medullary cavities of the metacarpals and phalanges, aortic calcification and abnormal dentition. Identifiers: Orphanet 85191, MedGen C4225427, MONDO:0024535, OMIM 182250.
Aicardi-Goutieres syndrome 7 (AGS7). Identifiers: Orphanet 51, MedGen C3888244, MONDO:0014367, OMIM 615846.

Allele frequency attached by ClinVar (database versions not stated): gnomAD 0.00001; TOPMed 0.00002.
gnomAD v4.1: 1 of 1,586,464 alleles (0.000063%); highest among the groups gnomAD compares: African/African-American, 0.0013%; no homozygotes.

Submissions (2):

GeneDx
Classification: Uncertain significance. Last evaluated: 2023-03-24. Review status: criteria provided, single submitter. Criteria: GeneDx Variant Classification Process June 2021. Collection method: clinical testing. Allele origin: germline. Affected: yes.
Comment: Not observed at significant frequency in large population cohorts (gnomAD); In silico analysis supports that this missense variant does not alter protein structure/function; Has not been previously published as pathogenic or benign to our knowledge

Labcorp Genetics (formerly Invitae), Labcorp
Classification: Likely benign for Aicardi-Goutieres syndrome 7; Singleton-Merten syndrome 1. Last evaluated: 2022-09-08. Review status: criteria provided, single submitter. Criteria: Invitae Variant Classification Sherloc (09022015). Collection method: clinical testing. Allele origin: germline.